The following is an entry in ClinVar:

ClinVar aggregate classification (germline): Pathogenic (1 of 4 stars; one submission).

Submission:

GeneDx
Classification: Pathogenic. Last evaluated: 2025-08-05. Review status: criteria provided, single submitter. Criteria: GeneDx Variant Classification Process June 2021. Collection method: clinical testing. Allele origin: germline. Affected: yes.
Comment: Nonsense variant predicted to result in protein truncation or nonsense mediated decay in a gene for which loss of function is a known mechanism of disease; Not observed at significant frequency in large population cohorts (gnomAD); Has not been previously published as pathogenic or benign to our knowledge

NM_001042424.3(NSD2):c.2953G>T (p.Glu985Ter)

Gene: NSD2 (nuclear receptor binding SET domain protein 2; plus strand). Cytogenetic location: 4p16.3.
Variant type: single nucleotide variant.
Coding change: c.2953G>T on transcript NM_001042424.3 (MANE Select); coding-DNA position 2953, G replaced by T.
Protein change: p.Glu985Ter; replaces glutamic acid 985 with a stop codon.
Molecular consequence: nonsense.
Genome position (GRCh38, 1-based): chr4:1,958,004, G>T. VCF-style: chr4-1958004-G-T. GRCh37 (hg19) VCF-style: chr4-1959731-G-T.
Other names: c.1984G>T, p.Glu662Ter (NM_001440900.1, NM_001440899.1); c.2953G>T, p.Glu985Ter (NM_133330.3, NM_133331.3, NM_133335.4 and 3 more transcripts); c.3052G>T, p.Glu1018Ter (NM_001440893.1); c.2752G>T, p.Glu918Ter (NM_001440896.1); c.2746G>T, p.Glu916Ter (NM_001440897.1, NM_001440898.1); short protein forms E1018*, E662*, E916*, E918*, E985*.
Identifiers: ClinVar variation 4755734 (VCV004755734.1).